The following is an entry in ClinVar:

NM_213655.5(WNK1):c.3581A>C (p.Gln1194Pro)

Gene: WNK1 (WNK lysine deficient protein kinase 1; plus strand). Cytogenetic location: 12p13.33.
Variant type: single nucleotide variant.
Coding change: c.3581A>C on transcript NM_213655.5 (MANE Plus Clinical); coding-DNA position 3581, A replaced by C.
Protein change: p.Gln1194Pro; replaces glutamine 1194 with proline.
Molecular consequence: missense variant. On other transcripts: intron variant (2).
Genome position (GRCh38, 1-based): chr12:869,052, A>C. VCF-style: chr12-869052-A-C. GRCh37 (hg19) VCF-style: chr12-978218-A-C.
Other names: c.3326A>C, p.Gln1109Pro (NM_001184985.2); c.2140-2213A>C (NM_018979.4, NM_014823.3); short protein forms Q1109P, Q1194P.
Identifiers: ClinVar variation 1732899 (VCV001732899.4), dbSNP rs1951922964, ClinGen allele CA383342407.

ClinVar aggregate classification (germline): Uncertain significance. Review status: criteria provided, multiple submitters, no conflicts (2 of 4 stars). 2 submissions from 2 submitters: Uncertain significance (2). Last evaluated 2024-08-07.

Conditions:
Inborn genetic diseases. Identifiers: MedGen C0950123, MeSH D030342.
Neuropathy, hereditary sensory and autonomic, type 2A (HSAN2A). Also called: MORVAN DISEASE; NEUROPATHY, CONGENITAL SENSORY; NEUROPATHY, HEREDITARY SENSORY RADICULAR, AUTOSOMAL RECESSIVE; NEUROPATHY, HEREDITARY SENSORY, TYPE IIA; NEUROPATHY, PROGRESSIVE SENSORY, OF CHILDREN; ACROOSTEOLYSIS, GIACCAI TYPE. Identifiers: Orphanet 970, MedGen C2752089, MONDO:0024309, OMIM 201300.
Pseudohypoaldosteronism type 2C (PHA2C). Also called: Pseudohypoaldosteronism Type IIC. Identifiers: Orphanet 757, Orphanet 88940, MedGen C1840391, MONDO:0013778, OMIM 614492.

Allele frequency attached by ClinVar (database versions not stated): gnomAD exomes below 0.00001.
gnomAD v4.1: 3 of 1,613,916 alleles (0.00019%); highest among the groups gnomAD compares: Non-Finnish European, 0.00025%; no homozygotes.

Submissions (2):

Labcorp Genetics (formerly Invitae), Labcorp
Classification: Uncertain significance for Neuropathy, hereditary sensory and autonomic, type 2A; Pseudohypoaldosteronism type 2C. Last evaluated: 2024-08-07. Review status: criteria provided, single submitter. Criteria: Invitae Variant Classification Sherloc (09022015). Collection method: clinical testing. Allele origin: germline.
Comment: This sequence change replaces glutamine, which is neutral and polar, with proline, which is neutral and non-polar, at codon 1194 of the WNK1 protein (p.Gln1194Pro). This variant is not present in population databases (gnomAD no frequency). This variant has not been reported in the literature in individuals affected with WNK1-related conditions. ClinVar contains an entry for this variant (Variation ID: 1732899). Advanced modeling of protein sequence and biophysical properties (such as structural, functional, and spatial information, amino acid conservation, physicochemical variation, residue mobility, and thermodynamic stability) performed at Invitae indicates that this missense variant is not expected to disrupt WNK1 protein function with a negative predictive value of 95%. In summary, the available evidence is currently insufficient to determine the role of this variant in disease. Therefore, it has been classified as a Variant of Uncertain Significance.

Ambry Genetics
Classification: Uncertain significance for Inborn genetic diseases. Last evaluated: 2023-08-15. Review status: criteria provided, single submitter. Criteria: Ambry Variant Classification Scheme 2023. Collection method: clinical testing. Allele origin: germline.